The following is an entry in ClinVar:

NM_003001.5(SDHC):c.387G>C (p.Trp129Cys)

Gene: SDHC (succinate dehydrogenase complex subunit C; plus strand). Cytogenetic location: 1q23.3.
Variant type: single nucleotide variant.
Coding change: c.387G>C on transcript NM_003001.5 (MANE Select); coding-DNA position 387, G replaced by C.
Protein change: p.Trp129Cys; replaces tryptophan 129 with cysteine.
Molecular consequence: missense variant. On other transcripts: non-coding transcript variant (1), intron variant (3).
Genome position (GRCh38, 1-based): chr1:161,356,822, G>C. VCF-style: chr1-161356822-G-C. GRCh37 (hg19) VCF-style: chr1-161326612-G-C.
Other names: c.285G>C, p.Trp95Cys (NM_001035512.3); c.228G>C, p.Trp76Cys (NM_001035513.3); c.507G>C, p.Trp169Cys (NM_001407115.1); c.330G>C, p.Trp110Cys (NM_001407116.1); c.324G>C, p.Trp108Cys (NM_001407117.1); c.279G>C, p.Trp93Cys (NM_001407118.1); c.276G>C, p.Trp92Cys (NM_001407119.1, NM_001407120.1); c.242-5507G>C (NM_001035511.3); and 2 more; short protein forms W129C, W76C, W95C, W108C, W169C, W110C, W93C, W92C.
Identifiers: ClinVar variation 407059 (VCV000407059.25), dbSNP rs981049067, ClinGen allele CA16609905.

ClinVar aggregate classification (germline): Uncertain significance. Review status: criteria provided, multiple submitters, no conflicts (2 of 4 stars). 3 submissions from 3 submitters: Uncertain significance (3). Last evaluated 2026-07-07.

Conditions:
Gastrointestinal stromal tumor. Also called: Gastrointestinal stromal tumor, somatic; Gastrointestinal stroma tumor. Identifiers: Orphanet 44890, MedGen C0238198, MeSH D046152, MONDO:0011719, OMIM 606764, HP:0100723.
Pheochromocytoma/paraganglioma syndrome 3. Also called: SDHC-Related Hereditary Paraganglioma-Pheochromocytoma Syndrome; Paragangliomas 3; SDHC-Related Hereditary Paraganglioma-Pheochromocytoma Syndrome (Paragangliomas 3); GLOMUS TUMORS, FAMILIAL, 3. Identifiers: Orphanet 29072, MedGen C1854336, MONDO:0011544, OMIM 605373.
Hereditary cancer-predisposing syndrome. Also called: Neoplastic Syndromes, Hereditary; Hereditary Cancer Syndrome; Tumor predisposition; Hereditary neoplastic syndrome. Identifiers: Orphanet 140162, MedGen C0027672, MeSH D009386, MONDO:0015356.

gnomAD v4.1: 4 of 1,614,164 alleles (0.00025%); highest among the groups gnomAD compares: Non-Finnish European, 0.00034%; no homozygotes.

Submissions (3):

Ambry Genetics
Classification: Uncertain significance for Hereditary cancer-predisposing syndrome. Last evaluated: 2026-07-07. Review status: criteria provided, single submitter. Criteria: Ambry Variant Classification Scheme 2023. Collection method: clinical testing. Allele origin: germline.
Comment: The p.W129C variant (also known as c.387G>C), located in coding exon 5 of the SDHC gene, results from a G to C substitution at nucleotide position 387. The tryptophan at codon 129 is replaced by cysteine, an amino acid with highly dissimilar properties. This amino acid position is conserved. In addition, the in silico prediction for this alteration is inconclusive. Based on the available evidence, the clinical significance of this variant remains unclear.

GeneDx
Classification: Uncertain significance. Last evaluated: 2019-08-06. Review status: criteria provided, single submitter. Criteria: GeneDx Variant Classification Process June 2021. Collection method: clinical testing. Allele origin: germline. Affected: yes.
Comment: Not observed in large population cohorts (Lek et al., 2016); In silico analysis, which includes protein predictors and evolutionary conservation, supports a deleterious effect; Has not been previously published as pathogenic or benign to our knowledge

Labcorp Genetics (formerly Invitae), Labcorp
Classification: Uncertain significance for Pheochromocytoma/paraganglioma syndrome 3; Gastrointestinal stromal tumor. Last evaluated: 2019-03-06. Review status: criteria provided, single submitter. Criteria: Invitae Variant Classification Sherloc (09022015). Collection method: clinical testing. Allele origin: germline.
Comment: Algorithms developed to predict the effect of missense changes on protein structure and function are either unavailable or do not agree on the potential impact of this missense change (SIFT: "Tolerated"; PolyPhen-2: "Probably Damaging"; Align-GVGD: "Class C0"). This sequence change replaces tryptophan with cysteine at codon 129 of the SDHC protein (p.Trp129Cys). The tryptophan residue is weakly conserved and there is a large physicochemical difference between tryptophan and cysteine. This variant is not present in population databases (ExAC no frequency). This variant has not been reported in the literature in individuals with SDHC-related conditions. ClinVar contains an entry for this variant (Variation ID: 407059). In summary, the available evidence is currently insufficient to determine the role of this variant in disease. Therefore, it has been classified as a Variant of Uncertain Significance.